The following is an entry in ClinVar:

NM_004963.4(GUCY2C):c.582G>C (p.Lys194Asn)

Genes: GUCY2C (guanylate cyclase 2C; minus strand), GUCY2C-AS1 (GUCY2C antisense RNA 1; plus strand). Cytogenetic location: 12p12.3.
Variant type: single nucleotide variant.
Coding change: c.582G>C on transcript NM_004963.4 (MANE Select); coding-DNA position 582, G replaced by C.
Protein change: p.Lys194Asn; replaces lysine 194 with asparagine.
Molecular consequence: missense variant.
Genome position (GRCh38, 1-based): chr12:14,683,071, C>G on the plus strand (G>C on the coding strand, the complement: GUCY2C is on the minus strand). VCF-style: chr12-14683071-C-G. GRCh37 (hg19) VCF-style: chr12-14836005-C-G.
Other names: short protein forms K194N.
Identifiers: ClinVar variation 2853801 (VCV002853801.3), dbSNP rs143949572, ClinGen allele CA384006125.

ClinVar aggregate classification (germline): Uncertain significance (1 of 4 stars; one submission).

Submission:

Labcorp Genetics (formerly Invitae), Labcorp
Classification: Uncertain significance. Last evaluated: 2023-04-09. Review status: criteria provided, single submitter. Criteria: Invitae Variant Classification Sherloc (09022015). Collection method: clinical testing. Allele origin: germline.
Comment: This sequence change replaces lysine, which is basic and polar, with asparagine, which is neutral and polar, at codon 194 of the GUCY2C protein (p.Lys194Asn). This variant is not present in population databases (gnomAD no frequency). In summary, the available evidence is currently insufficient to determine the role of this variant in disease. Therefore, it has been classified as a Variant of Uncertain Significance. Advanced modeling of protein sequence and biophysical properties (such as structural, functional, and spatial information, amino acid conservation, physicochemical variation, residue mobility, and thermodynamic stability) performed at Invitae indicates that this missense variant is expected to disrupt GUCY2C protein function. This variant has not been reported in the literature in individuals affected with GUCY2C-related conditions.